The following is an entry in ClinVar:

NM_177438.3(DICER1):c.1264G>T (p.Glu422Ter)

Gene: DICER1 (dicer 1, ribonuclease III; minus strand). Cytogenetic location: 14q32.13.
Variant type: single nucleotide variant.
Coding change: c.1264G>T on transcript NM_177438.3 (MANE Select); coding-DNA position 1264, G replaced by T.
Protein change: p.Glu422Ter; replaces glutamic acid 422 with a stop codon.
Molecular consequence: nonsense. On other transcripts: 5 prime UTR variant (1), non-coding transcript variant (6).
Genome position (GRCh38, 1-based): chr14:95,124,308, C>A on the plus strand (G>T on the coding strand, the complement: DICER1 is on the minus strand). VCF-style: chr14-95124308-C-A. GRCh37 (hg19) VCF-style: chr14-95590645-C-A.
Other names: c.1264G>T, p.Glu422Ter (NM_001195573.1, NM_001271282.3, NM_001291628.2 and 15 more transcripts); c.982G>T, p.Glu328Ter (NM_001395686.1); c.859G>T, p.Glu287Ter (NM_001395687.1, NM_001395688.1, NM_001395689.1 and 3 more transcripts); c.697G>T, p.Glu233Ter (NM_001395691.1); c.-305G>T (NM_001395697.1); short protein forms E233*, E422*, E287*, E328*.
Identifiers: ClinVar variation 2820199 (VCV002820199.3), dbSNP rs1566802002, ClinGen allele CA390886426.
Genomic context (GRCh38, chr14:95,124,308, plus strand): 5'-AAATGTTGGTAAAAGGAGAAGGAAAATTTGTCTCTGGCTTCTCTTTTTCTTCAATTTCTT[C>A]ATCCTCATCATCATCCTCAGAATCACTCCATGACACATAATTATCCTGATTTCTATTATT-3'

ClinVar aggregate classification (germline): Pathogenic (1 of 4 stars; one submission).

Conditions:
DICER1-related tumor predisposition. Also called: DICER1-related pleuropulmonary blastoma cancer predisposition syndrome; DICER1 syndrome. Identifiers: Orphanet 284343, MedGen C3839822, MONDO:0100216.

Submission:

Labcorp Genetics (formerly Invitae), Labcorp
Classification: Pathogenic for DICER1-related tumor predisposition. Last evaluated: 2023-01-06. Review status: criteria provided, single submitter. Criteria: Invitae Variant Classification Sherloc (09022015). Collection method: clinical testing. Allele origin: germline.
Comment: This sequence change creates a premature translational stop signal (p.Glu422*) in the DICER1 gene. It is expected to result in an absent or disrupted protein product. Loss-of-function variants in DICER1 are known to be pathogenic (PMID: 19556464, 21266384). For these reasons, this variant has been classified as Pathogenic. This variant has not been reported in the literature in individuals affected with DICER1-related conditions. This variant is not present in population databases (gnomAD no frequency).

Literature cited by the submitters: PubMed 19556464; PubMed 21266384.